The following is an entry in ClinVar:

NM_032387.5(WNK4):c.1342G>T (p.Gly448Cys)

Gene: WNK4 (WNK lysine deficient protein kinase 4; plus strand). Cytogenetic location: 17q21.2.
Variant type: single nucleotide variant.
Coding change: c.1342G>T on transcript NM_032387.5 (MANE Select); coding-DNA position 1342, G replaced by T.
Protein change: p.Gly448Cys; replaces glycine 448 with cysteine.
Molecular consequence: missense variant.
Genome position (GRCh38, 1-based): chr17:42,785,348, G>T. VCF-style: chr17-42785348-G-T. GRCh37 (hg19) VCF-style: chr17-40937366-G-T.
Other names: c.1342G>T (NM_032387.4); c.334G>T, p.Gly112Cys (NM_001321299.2); short protein forms G448C, G112C.
Identifiers: ClinVar variation 3709557 (VCV003709557.3).
Genomic context (GRCh38, chr17:42,785,348, plus strand): 5'-GCCCACGCCTTCTTCCGCGAGGAGCGCGGTGTGCACGTGGAACTAGCGGAGGAGGACGAC[G>T]GCGAGAAGCCGGGCCTCAAGCTCTGGCTGCGCATGGAGGACGCGCGGCGCGGGGGGCGCC-3'
Protein context (NP_115763.2, residues 438-458): VHVELAEEDD[Gly448Cys]EKPGLKLWLR

ClinVar aggregate classification (germline): Uncertain significance. Review status: criteria provided, multiple submitters, no conflicts (2 of 4 stars). 2 submissions from 2 submitters: Uncertain significance (2). Last evaluated 2026-01-05.

Conditions:
Inborn genetic diseases. Identifiers: MedGen C0950123, MeSH D030342.

gnomAD v4.1: 9 of 1,610,654 alleles (0.00056%); highest among the groups gnomAD compares: Admixed American, 0.0067%; no homozygotes.

Submissions (2):

Labcorp Genetics (formerly Invitae), Labcorp
Classification: Uncertain significance. Last evaluated: 2026-01-05. Review status: criteria provided, single submitter. Criteria: Invitae Variant Classification Sherloc (09022015). Collection method: clinical testing. Allele origin: germline.
Comment: This sequence change replaces glycine, which is neutral and non-polar, with cysteine, which is neutral and slightly polar, at codon 448 of the WNK4 protein (p.Gly448Cys). This variant is present in population databases (rs763446727, gnomAD 0.009%). This variant has not been reported in the literature in individuals affected with WNK4-related conditions. ClinVar contains an entry for this variant (Variation ID: 3709557). Invitae Evidence Modeling of protein sequence and biophysical properties (such as structural, functional, and spatial information, amino acid conservation, physicochemical variation, residue mobility, and thermodynamic stability) indicates that this missense variant is not expected to disrupt WNK4 protein function with a negative predictive value of 95%. In summary, the available evidence is currently insufficient to determine the role of this variant in disease. Therefore, it has been classified as a Variant of Uncertain Significance.

Ambry Genetics
Classification: Uncertain significance for Inborn genetic diseases. Last evaluated: 2025-02-22. Review status: criteria provided, single submitter. Criteria: Ambry Variant Classification Scheme 2023. Collection method: clinical testing. Allele origin: germline.